The following is an entry in ClinVar:

NM_000368.5(TSC1):c.2549G>A (p.Arg850Lys)

Gene: TSC1 (TSC complex subunit 1; minus strand). Cytogenetic location: 9q34.13.
Variant type: single nucleotide variant.
Coding change: c.2549G>A on transcript NM_000368.5 (MANE Select); coding-DNA position 2549, G replaced by A.
Protein change: p.Arg850Lys; replaces arginine 850 with lysine.
Molecular consequence: missense variant.
Genome position (GRCh38, 1-based): chr9:132,900,791, C>T on the plus strand (G>A on the coding strand, the complement: TSC1 is on the minus strand). VCF-style: chr9-132900791-C-T. GRCh37 (hg19) VCF-style: chr9-135776178-C-T.
Other names: c.2546G>A, p.Arg849Lys (NM_001162426.2); c.2396G>A, p.Arg799Lys (NM_001162427.2); c.2186G>A, p.Arg729Lys (NM_001362177.2); short protein forms R850K, R849K, R729K, R799K.
Identifiers: ClinVar variation 411215 (VCV000411215.9), dbSNP rs1060503195, ClinGen allele CA16612745.

ClinVar aggregate classification (germline): Uncertain significance. Review status: criteria provided, multiple submitters, no conflicts (2 of 4 stars). 2 submissions from 2 submitters: Uncertain significance (2). Last evaluated 2024-05-12.

Conditions:
Tuberous sclerosis 1 (TSC1). Identifiers: Orphanet 805, MedGen C1854465, MONDO:0008612, OMIM 191100.
Hereditary cancer-predisposing syndrome. Also called: Hereditary neoplastic syndrome; Neoplastic Syndromes, Hereditary; Tumor predisposition; Hereditary Cancer Syndrome. Identifiers: Orphanet 140162, MedGen C0027672, MeSH D009386, MONDO:0015356.

Submissions (2):

Ambry Genetics
Classification: Uncertain significance for Hereditary cancer-predisposing syndrome. Last evaluated: 2024-05-12. Review status: criteria provided, single submitter. Criteria: Ambry Variant Classification Scheme 2023. Collection method: clinical testing. Allele origin: germline.
Comment: The p.R850K variant (also known as c.2549G>A), located in coding exon 18 of the TSC1 gene, results from a G to A substitution at nucleotide position 2549. The arginine at codon 850 is replaced by lysine, an amino acid with highly similar properties. This amino acid position is conserved. In addition, this alteration is predicted to be tolerated by in silico analysis. Based on the available evidence, the clinical significance of this variant remains unclear.

Labcorp Genetics (formerly Invitae), Labcorp
Classification: Uncertain significance for Tuberous sclerosis 1. Last evaluated: 2020-12-02. Review status: criteria provided, single submitter. Criteria: Invitae Variant Classification Sherloc (09022015). Collection method: clinical testing. Allele origin: germline.
Comment: In summary, this variant is a novel missense change that is not predicted to affect protein function. There is no indication that it causes disease, but the available evidence is currently insufficient to prove that conclusively. Therefore, it has been classified as a Variant of Uncertain Significance. Algorithms developed to predict the effect of missense changes on protein structure and function (SIFT, PolyPhen-2, Align-GVGD) all suggest that this variant is likely to be tolerated, but these predictions have not been confirmed by published functional studies. This variant is not present in population databases (ExAC no frequency) and has not been reported in the literature in individuals with a TSC1-related disease. This sequence change replaces arginine with lysine at codon 850 of the TSC1 protein (p.Arg850Lys). The arginine residue is moderately conserved and there is a small physicochemical difference between arginine and lysine.